The following is an entry in ClinVar:

ClinVar aggregate classification (germline): Likely benign (1 of 4 stars; one submission).

gnomAD v4.1: 8 of 1,574,366 alleles (0.00051%); highest among the groups gnomAD compares: Admixed American, 0.0052%; no homozygotes.

Submission:

CeGaT Center for Human Genetics Tuebingen
Classification: Likely benign. Last evaluated: 2026-03-01. Review status: criteria provided, single submitter. Criteria: CeGaT Center For Human Genetics Tuebingen Variant Classification Criteria Version 2. Collection method: clinical testing. Allele origin: germline. Affected: yes. Observed: 1 variant allele.
Comment: KAT6A: BP4

NM_006766.5(KAT6A):c.4944G>A (p.Gln1648=)

Gene: KAT6A (lysine acetyltransferase 6A; minus strand). Cytogenetic location: 8p11.21.
Variant type: single nucleotide variant.
Coding change: c.4944G>A on transcript NM_006766.5 (MANE Select); coding-DNA position 4944, G replaced by A.
Protein change: p.Gln1648=; no amino-acid change (glutamine 1648 retained).
Molecular consequence: synonymous variant.
Genome position (GRCh38, 1-based): chr8:41,933,276, C>T on the plus strand (G>A on the coding strand, the complement: KAT6A is on the minus strand). VCF-style: chr8-41933276-C-T. GRCh37 (hg19) VCF-style: chr8-41790794-C-T.
Identifiers: ClinVar variation 4822115 (VCV004822115.4).